The following is an entry in ClinVar:

ClinVar aggregate classification (germline): Uncertain significance (1 of 4 stars; one submission).

Submission:

GeneDx
Classification: Uncertain significance. Last evaluated: 2024-12-03. Review status: criteria provided, single submitter. Criteria: GeneDx Variant Classification Process June 2021. Collection method: clinical testing. Allele origin: germline. Affected: yes.
Comment: Not observed at significant frequency in large population cohorts (gnomAD); In silico analysis indicates that this missense variant does not alter protein structure/function; Has not been previously published as pathogenic or benign to our knowledge

NM_001370658.1(BTD):c.232A>T (p.Met78Leu)

Gene: BTD (biotinidase; plus strand). Cytogenetic location: 3p25.1.
Variant type: single nucleotide variant.
Coding change: c.232A>T on transcript NM_001370658.1 (MANE Select); coding-DNA position 232, A replaced by T.
Protein change: p.Met78Leu; replaces methionine 78 with leucine.
Molecular consequence: missense variant.
Genome position (GRCh38, 1-based): chr3:15,635,671, A>T. VCF-style: chr3-15635671-A-T. GRCh37 (hg19) VCF-style: chr3-15677178-A-T.
Other names: c.232A>T, p.Met78Leu (NM_001281723.4, NM_001281724.3, NM_001281725.3 and 37 more transcripts); short protein forms M78L.
Identifiers: ClinVar variation 3901298 (VCV003901298.1).